The following is an entry in ClinVar:

NM_003073.5(SMARCB1):c.749C>T (p.Thr250Met)

Gene: SMARCB1 (SWI/SNF related BAF chromatin remodeling complex subunit B1; plus strand). Cytogenetic location: 22q11.23.
Variant type: single nucleotide variant.
Coding change: c.749C>T on transcript NM_003073.5 (MANE Select); coding-DNA position 749, C replaced by T.
Protein change: p.Thr250Met; replaces threonine 250 with methionine.
Molecular consequence: missense variant.
Genome position (GRCh38, 1-based): chr22:23,816,890, C>T. VCF-style: chr22-23816890-C-T. GRCh37 (hg19) VCF-style: chr22-24159077-C-T.
Other names: c.749C>T (LRG_520t1); c.722C>T, p.Thr241Met (NM_001007468.3); c.776C>T, p.Thr259Met (NM_001317946.2); c.803C>T, p.Thr268Met (NM_001362877.2); short protein forms T250M, T259M, T241M, T268M.
Identifiers: ClinVar variation 464337 (VCV000464337.18), dbSNP rs751957685, ClinGen allele CA10146039.

ClinVar aggregate classification (germline): Conflicting classifications of pathogenicity. Review status: criteria provided, conflicting classifications (1 of 4 stars). 4 submissions from 4 submitters: Uncertain significance (3); Likely benign (1). Last evaluated 2026-01-28.

Conditions:
Hereditary cancer-predisposing syndrome. Also called: Neoplastic Syndromes, Hereditary; Tumor predisposition; Hereditary Cancer Syndrome; Hereditary neoplastic syndrome. Identifiers: Orphanet 140162, MedGen C0027672, MeSH D009386, MONDO:0015356.
Rhabdoid tumor predisposition syndrome 1 (RTPS1). Also called: Familial Posterior Fossa Brain Tumor of Infancy. Identifiers: Orphanet 231108, Orphanet 69077, MedGen C1836327, MONDO:0012252, OMIM 609322.

Allele frequency attached by ClinVar (database versions not stated): gnomAD exomes 0.00001 and 0.00002; ExAC 0.00002; TOPMed 0.00002; gnomAD 0.00003.

Submissions (4):

Labcorp Genetics (formerly Invitae), Labcorp
Classification: Uncertain significance. Last evaluated: 2026-01-28. Review status: criteria provided, single submitter. Criteria: Invitae Variant Classification Sherloc (09022015). Collection method: clinical testing. Allele origin: germline.
Comment: This sequence change replaces threonine, which is neutral and polar, with methionine, which is neutral and non-polar, at codon 250 of the SMARCB1 protein (p.Thr250Met). This variant is present in population databases (rs751957685, gnomAD 0.006%). This variant has not been reported in the literature in individuals affected with SMARCB1-related conditions. ClinVar contains an entry for this variant (Variation ID: 464337). Invitae Evidence Modeling of protein sequence and biophysical properties (such as structural, functional, and spatial information, amino acid conservation, physicochemical variation, residue mobility, and thermodynamic stability) indicates that this missense variant is not expected to disrupt SMARCB1 protein function with a negative predictive value of 80%. In summary, the available evidence is currently insufficient to determine the role of this variant in disease. Therefore, it has been classified as a Variant of Uncertain Significance.

Ambry Genetics
Classification: Likely benign for Hereditary cancer-predisposing syndrome. Last evaluated: 2025-07-24. Review status: criteria provided, single submitter. Criteria: Ambry Variant Classification Scheme 2023. Collection method: clinical testing. Allele origin: germline.

Baylor Genetics
Classification: Uncertain significance for Rhabdoid tumor predisposition syndrome 1. Last evaluated: 2024-03-07. Review status: criteria provided, single submitter. Criteria: ACMG Guidelines, 2015. Collection method: clinical testing. Allele origin: unknown.

Sema4
Classification: Uncertain significance for Hereditary cancer-predisposing syndrome. Last evaluated: 2021-04-08. Review status: criteria provided, single submitter. Criteria: Sema4 Curation Guidelines. Collection method: curation. Allele origin: germline.
Comment: The SMARCB1 c.749C>T (p.T250M) variant has not been reported in the literature to our knowledge. It was observed in 4/251374 chromosomes in the large and broad cohorts of the Genome Aggregation Database. The variant has been reported in ClinVar (Variation ID 464337). In silico tools suggest the impact of the variant on protein function is inconclusive, though these predictions have not been confirmed by functional studies. The evidence is insufficient to meet ACMG/AMP criteria for classifying the variant as benign or pathogenic. Thus, the clinical significance of this variant is currently uncertain.

Literature cited by the submitters: PubMed 28518168 (cited by Ambry Genetics); PubMed 32461654 (cited by Ambry Genetics).